The following is an entry in ClinVar:

NM_019032.6(ADAMTSL4):c.2380C>T (p.Gln794Ter)

Gene: ADAMTSL4 (ADAMTS like 4; plus strand). Cytogenetic location: 1q21.2.
Variant type: single nucleotide variant.
Coding change: c.2380C>T on transcript NM_019032.6 (MANE Select); coding-DNA position 2380, C replaced by T.
Protein change: p.Gln794Ter; replaces glutamine 794 with a stop codon.
Molecular consequence: nonsense.
Genome position (GRCh38, 1-based): chr1:150,558,147, C>T. VCF-style: chr1-150558147-C-T. GRCh37 (hg19) VCF-style: chr1-150530623-C-T.
Other names: c.2263C>T, p.Gln755Ter (NM_001288607.2); c.2449C>T, p.Gln817Ter (NM_001288608.2); c.2380C>T, p.Gln794Ter (NM_001378596.1, NM_025008.5); short protein forms Q755*, Q817*, Q794*.
Identifiers: ClinVar variation 4772449 (VCV004772449.1).

ClinVar aggregate classification (germline): Pathogenic (1 of 4 stars; one submission).

Submission:

Labcorp Genetics (formerly Invitae), Labcorp
Classification: Pathogenic. Last evaluated: 2025-09-01. Review status: criteria provided, single submitter. Criteria: Invitae Variant Classification Sherloc (09022015). Collection method: clinical testing. Allele origin: germline.
Comment: This sequence change creates a premature translational stop signal (p.Gln794*) in the ADAMTSL4 gene. It is expected to result in an absent or disrupted protein product. Loss-of-function variants in ADAMTSL4 are known to be pathogenic (PMID: 20564469, 28642162). This variant is not present in population databases (gnomAD no frequency). This variant has not been reported in the literature in individuals affected with ADAMTSL4-related conditions. For these reasons, this variant has been classified as Pathogenic.

Literature cited by the submitters: PubMed 20564469; PubMed 28642162.